The following is an entry in ClinVar:

NM_001365536.1(SCN9A):c.4658T>C (p.Val1553Ala)

Genes: SCN1A-AS1 (SCN1A and SCN9A antisense RNA 1; plus strand), SCN9A (sodium voltage-gated channel alpha subunit 9; minus strand). Cytogenetic location: 2q24.3.
Variant type: single nucleotide variant.
Coding change: c.4658T>C on transcript NM_001365536.1 (MANE Select); coding-DNA position 4658, T replaced by C.
Protein change: p.Val1553Ala; replaces valine 1553 with alanine.
Molecular consequence: missense variant.
Genome position (GRCh38, 1-based): chr2:166,204,071, A>G on the plus strand (T>C on the coding strand, the complement: SCN9A is on the minus strand). VCF-style: chr2-166204071-A-G. GRCh37 (hg19) VCF-style: chr2-167060581-A-G.
Other names: c.4625T>C, p.Val1542Ala (NM_002977.4); short protein forms V1542A, V1553A.
Identifiers: ClinVar variation 1350180 (VCV001350180.6), dbSNP rs1693673469, ClinGen allele CA349057517.

ClinVar aggregate classification (germline): Uncertain significance (1 of 4 stars; one submission).

Conditions:
Neuropathy, hereditary sensory and autonomic, type 2A (HSAN2A). Also called: HSAN IIA; MORVAN DISEASE; NEUROPATHY, CONGENITAL SENSORY; NEUROPATHY, HEREDITARY SENSORY RADICULAR, AUTOSOMAL RECESSIVE; NEUROPATHY, HEREDITARY SENSORY, TYPE IIA; NEUROPATHY, PROGRESSIVE SENSORY, OF CHILDREN. Identifiers: Orphanet 970, MedGen C2752089, MONDO:0024309, OMIM 201300.
Generalized epilepsy with febrile seizures plus, type 7 (GEFSP7). Also called: GEFS+, TYPE 7. Identifiers: Orphanet 36387, MedGen C2751778, MONDO:0013470, OMIM 613863.

Allele frequency attached by ClinVar (database versions not stated): TOPMed below 0.00001.

Submission:

Labcorp Genetics (formerly Invitae), Labcorp
Classification: Uncertain significance for Neuropathy, hereditary sensory and autonomic, type 2A; Generalized epilepsy with febrile seizures plus, type 7. Last evaluated: 2022-07-26. Review status: criteria provided, single submitter. Criteria: Invitae Variant Classification Sherloc (09022015). Collection method: clinical testing. Allele origin: germline.
Comment: In summary, the available evidence is currently insufficient to determine the role of this variant in disease. Therefore, it has been classified as a Variant of Uncertain Significance. Algorithms developed to predict the effect of missense changes on protein structure and function are either unavailable or do not agree on the potential impact of this missense change (SIFT: "Deleterious"; PolyPhen-2: "Benign"; Align-GVGD: "Class C25"). ClinVar contains an entry for this variant (Variation ID: 1350180). This variant has not been reported in the literature in individuals affected with SCN9A-related conditions. This variant is not present in population databases (gnomAD no frequency). This sequence change replaces valine, which is neutral and non-polar, with alanine, which is neutral and non-polar, at codon 1542 of the SCN9A protein (p.Val1542Ala).